The following is an entry in ClinVar:

NM_201384.3(PLEC):c.8430C>G (p.Ile2810Met)

Gene: PLEC (plectin; minus strand). Cytogenetic location: 8q24.3.
Variant type: single nucleotide variant.
Coding change: c.8430C>G on transcript NM_201384.3 (MANE Select); coding-DNA position 8430, C replaced by G.
Protein change: p.Ile2810Met; replaces isoleucine 2810 with methionine.
Molecular consequence: missense variant.
Genome position (GRCh38, 1-based): chr8:143,921,391, G>C on the plus strand (C>G on the coding strand, the complement: PLEC is on the minus strand). VCF-style: chr8-143921391-G-C. GRCh37 (hg19) VCF-style: chr8-144995559-G-C.
Other names: p.Ile2796Met; c.8511C>G, p.Ile2837Met (NM_000445.5); c.8388C>G, p.Ile2796Met (NM_201378.4); c.8364C>G, p.Ile2788Met (NM_201379.3); c.8841C>G, p.Ile2947Met (NM_201380.4); c.8334C>G, p.Ile2778Met (NM_201381.3); c.8430C>G, p.Ile2810Met (NM_201382.4); c.8442C>G, p.Ile2814Met (NM_201383.3); short protein forms I2778M, I2788M, I2796M, I2810M, I2814M, I2837M, I2947M.
Identifiers: ClinVar variation 93085 (VCV000093085.20), dbSNP rs62641758, ClinGen allele CA146591.

ClinVar aggregate classification (germline): Benign/Likely benign. Review status: criteria provided, multiple submitters, no conflicts (2 of 4 stars). 8 submissions from 8 submitters: Benign (6); Likely benign (2). Last evaluated 2026-02-01.

Conditions:
Epidermolysis bullosa simplex with nail dystrophy (EBS5D). Identifiers: MedGen C4225309, MONDO:0014661, OMIM 616487.
Epidermolysis bullosa simplex 5C, with pyloric atresia (EBS5C). Also called: PLEC-Related Epidermolysis Bullosa with Pyloric Atresia; Epidermolysis bullosa simplex with pyloric atresia; PLEC1-Related Epidermolysis Bullosa with Pyloric Atresia. Identifiers: Orphanet 158684, MedGen C2677349, MONDO:0012807, OMIM 612138.
Epidermolysis bullosa simplex 5B, with muscular dystrophy (EBS5B). Also called: EPIDERMOLYSIS BULLOSA SIMPLEX AND LIMB-GIRDLE MUSCULAR DYSTROPHY; Epidermolysis bullosa simplex with muscular dystrophy. Identifiers: Orphanet 257, MedGen C2931072, MONDO:0009181, OMIM 226670.
Autosomal recessive limb-girdle muscular dystrophy type 2Q (LGMDR17). Also called: MUSCULAR DYSTROPHY, LIMB-GIRDLE, AUTOSOMAL RECESSIVE 17. Identifiers: Orphanet 254361, MedGen C3150989, MONDO:0013390, OMIM 613723.
Epidermolysis bullosa simplex, Ogna type (EBS5A). Also called: Pidermolysis bullosa simplex 5A, Ogna type; EPIDERMOLYSIS BULLOSA SIMPLEX 5A, OGNA TYPE. Identifiers: Orphanet 79401, MedGen C0432317, MONDO:0007555, OMIM 131950.

Allele frequency attached by ClinVar (database versions not stated): 1000 Genomes Project 30x 0.00843; ESP Exome Variant Server 0.00521; TOPMed 0.00655; 1000 Genomes Project 0.00739.
gnomAD v4.1: 2,525 of 1,613,334 alleles (0.16%); highest among the groups gnomAD compares: African/African-American, 1.8%; 13 homozygotes.

Submissions (8):

Labcorp Genetics (formerly Invitae), Labcorp
Classification: Benign for Autosomal recessive limb-girdle muscular dystrophy type 2Q; Epidermolysis bullosa simplex, Ogna type; Epidermolysis bullosa simplex with nail dystrophy; Epidermolysis bullosa simplex 5C, with pyloric atresia; Epidermolysis bullosa simplex 5B, with muscular dystrophy. Last evaluated: 2026-02-01. Review status: criteria provided, single submitter. Criteria: Invitae Variant Classification Sherloc (09022015). Collection method: clinical testing. Allele origin: germline.

Genomic Medicine Center of Excellence, King Faisal Specialist Hospital and Research Centre
Classification: Likely benign. Last evaluated: 2025-08-18. Review status: criteria provided, single submitter. Criteria: ACMG Guidelines, 2015. Collection method: clinical testing. Allele origin: germline.

Blueprint Genetics
Classification: Likely benign. Last evaluated: 2024-11-07. Review status: criteria provided, single submitter. Criteria: ACMG Guidelines, 2015. Collection method: clinical testing. Allele origin: germline.

Athena Diagnostics
Classification: Benign. Last evaluated: 2023-10-23. Review status: criteria provided, single submitter. Criteria: Athena Diagnostics Criteria. Collection method: clinical testing. Allele origin: unknown.

Mayo Clinic Laboratories, Mayo Clinic
Classification: Benign. Last evaluated: 2022-05-02. Review status: criteria provided, single submitter. Criteria: ACMG Guidelines, 2015. Collection method: clinical testing. Allele origin: germline. Observed: 11 variant alleles.
Comment: BS1, BS2

GeneDx
Classification: Benign. Last evaluated: 2016-06-29. Review status: criteria provided, single submitter. Criteria: GeneDx Variant Classification (06012015). Collection method: clinical testing. Allele origin: germline. Affected: yes.
Comment: This variant is considered likely benign or benign based on one or more of the following criteria: it is a conservative change, it occurs at a poorly conserved position in the protein, it is predicted to be benign by multiple in silico algorithms, and/or has population frequency not consistent with disease.

Eurofins Ntd Llc (ga)
Classification: Benign. Last evaluated: 2013-05-29. Review status: criteria provided, single submitter. Criteria: EGL Classification Definitions 2015. Collection method: clinical testing. Allele origin: germline. Observed: 1 variant allele, 1 heterozygote.

Breakthrough Genomics
Classification: Benign. Review status: criteria provided, single submitter. Criteria: ACMG Guidelines, 2015. Collection method: not provided. Allele origin: germline. Inheritance: Autosomal recessive inheritance. Affected: yes.